The following is an entry in ClinVar:

ClinVar aggregate classification (germline): Uncertain significance. Review status: criteria provided, multiple submitters, no conflicts (2 of 4 stars). 2 submissions from 2 submitters: Uncertain significance (2). Last evaluated 2025-09-08.

Allele frequency attached by ClinVar (database versions not stated): gnomAD 0.00005; 1000 Genomes Project 0.00020; gnomAD exomes 0.00003; ExAC 0.00006; TOPMed 0.00008; 1000 Genomes Project 30x 0.00031.
gnomAD v4.1: 58 of 1,614,142 alleles (0.0036%); highest among the groups gnomAD compares: Admixed American, 0.038%; no homozygotes.

Submissions (2):

Labcorp Genetics (formerly Invitae), Labcorp
Classification: Uncertain significance. Last evaluated: 2025-09-08. Review status: criteria provided, single submitter. Criteria: Invitae Variant Classification Sherloc (09022015). Collection method: clinical testing. Allele origin: germline.
Comment: This sequence change replaces proline, which is neutral and non-polar, with leucine, which is neutral and non-polar, at codon 1324 of the SLIT2 protein (p.Pro1324Leu). This variant is present in population databases (rs572790039, gnomAD 0.04%). This variant has not been reported in the literature in individuals affected with SLIT2-related conditions. ClinVar contains an entry for this variant (Variation ID: 2374670). An algorithm developed to predict the effect of missense changes on protein structure and function (PolyPhen-2) suggests that this variant is likely to be tolerated. In summary, the available evidence is currently insufficient to determine the role of this variant in disease. Therefore, it has been classified as a Variant of Uncertain Significance.

Ambry Genetics
Classification: Uncertain significance. Last evaluated: 2021-08-12. Review status: criteria provided, single submitter. Criteria: Ambry Variant Classification Scheme 2023. Collection method: clinical testing. Allele origin: germline.

NM_004787.4(SLIT2):c.3971C>T (p.Pro1324Leu)

Gene: SLIT2 (slit guidance ligand 2; plus strand). Cytogenetic location: 4p15.31.
Variant type: single nucleotide variant.
Coding change: c.3971C>T on transcript NM_004787.4 (MANE Select); coding-DNA position 3971, C replaced by T.
Protein change: p.Pro1324Leu; replaces proline 1324 with leucine.
Molecular consequence: missense variant.
Genome position (GRCh38, 1-based): chr4:20,617,033, C>T. VCF-style: chr4-20617033-C-T. GRCh37 (hg19) VCF-style: chr4-20618656-C-T.
Other names: c.3959C>T, p.Pro1320Leu (NM_001289135.3); c.3947C>T, p.Pro1316Leu (NM_001289136.3); short protein forms P1320L, P1324L, P1316L.
Identifiers: ClinVar variation 2374670 (VCV002374670.5), dbSNP rs572790039, ClinGen allele CA2872332.